The following is an entry in ClinVar:

ClinVar aggregate classification (germline): Likely pathogenic (1 of 4 stars; one submission).

Conditions:
Pyknodysostosis. Also called: Pycnodysostosis. Identifiers: Orphanet 763, MedGen C0238402, MONDO:0009940, OMIM 265800.

Submission:

Myriad Genetics, Inc.
Classification: Likely pathogenic for Pyknodysostosis. Last evaluated: 2022-03-30. Review status: criteria provided, single submitter. Criteria: Myriad Women's Health Autosomal Recessive and X-Linked Classification Criteria (2021). Collection method: clinical testing. Allele origin: unknown.
Comment: NM_000396.3(CTSK):c.696_697delGA(K233Sfs*17) is expected to be pathogenic in the context of pycnodysostosis. This variant is predicted to lead to an abnormal or absent protein product due to the creation of a premature termination codon in CTSK, a gene where loss-of-function variants are known to be pathogenic. Please note: this variant was assessed in the context of healthy population screening.

NM_000396.4(CTSK):c.696_697del (p.Lys233fs)

Gene: CTSK (cathepsin K; minus strand). Cytogenetic location: 1q21.3.
Variant type: Microsatellite.
Coding change: c.696_697del on transcript NM_000396.4 (MANE Select); coding-DNA positions 696 to 697, 2 bases deleted (GA; older notation c.696_697delGA).
Protein change: p.Lys233fs; shifts the reading frame from lysine 233.
Molecular consequence: frameshift variant.
Genome position (GRCh38, 1-based): chr1:150,799,631-150,799,632, TC deleted on the plus strand (GA on the coding strand, the reverse complement: CTSK is on the minus strand); deleting any 2 consecutive bases within chr1:150,799,631-150,799,634 gives the same sequence; the c. name uses the placement nearest the transcript's 3' end. VCF-style (leftmost placement, unchanged base first): chr1-150799630-TTC-T. GRCh37 (hg19) VCF-style: chr1-150772106-TTC-T.
Other names: short protein forms K233fs.
Identifiers: ClinVar variation 1725649 (VCV001725649.2), dbSNP rs2525166556, ClinGen allele CA2580611197.